The following is an entry in ClinVar:

NM_001365951.3(KIF1B):c.5250A>G (p.Ala1750=)

Gene: KIF1B (kinesin family member 1B; plus strand). Cytogenetic location: 1p36.22.
Variant type: single nucleotide variant.
Coding change: c.5250A>G on transcript NM_001365951.3 (MANE Select); coding-DNA position 5250, A replaced by G.
Protein change: p.Ala1750=; no amino-acid change (alanine 1750 retained).
Molecular consequence: synonymous variant.
Genome position (GRCh38, 1-based): chr1:10,375,007, A>G. VCF-style: chr1-10375007-A-G. GRCh37 (hg19) VCF-style: chr1-10435065-A-G.
Other names: c.5250A>G, p.Ala1750= (NM_001365952.1); c.5112A>G, p.Ala1704= (NM_015074.3).
Identifiers: ClinVar variation 220407 (VCV000220407.63), dbSNP rs75413741, ClinGen allele CA349620.

ClinVar aggregate classification (germline): Benign/Likely benign. Review status: criteria provided, multiple submitters, no conflicts (2 of 4 stars). 10 submissions from 10 submitters: Benign (5); Likely benign (3). 2 of the submissions do not count toward it. Last evaluated 2026-09-01.

Conditions:
Charcot-Marie-Tooth disease type 2. Also called: Charcot-Marie-Tooth type 2. Identifiers: Orphanet 64746, MedGen C0270914, MONDO:0018993.
Neuroblastoma (NB). Identifiers: Orphanet 635, MedGen C0027819, MeSH D009447, MONDO:0005072, HP:0003006.
Charcot-Marie-Tooth disease. Also called: Charcot-Marie-Tooth Neuropathy; Charcot-Marie-Tooth Hereditary Neuropathy. Identifiers: Orphanet 166, MedGen C0007959, MONDO:0015626.

Allele frequency attached by ClinVar (database versions not stated): 1000 Genomes Project 30x 0.00156; 1000 Genomes Project 0.00180; TOPMed 0.00408; gnomAD 0.00413 and 0.00415; gnomAD exomes 0.00455 and 0.00545; ESP Exome Variant Server 0.00461; ExAC 0.00468.
gnomAD v4.1: 8,509 of 1,614,132 alleles (0.53%); highest among the groups gnomAD compares: Non-Finnish European, 0.65%; 50 homozygotes.

Submissions (10):

CeGaT Center for Human Genetics Tuebingen
Classification: Likely benign. Last evaluated: 2026-09-01. Review status: criteria provided, single submitter. Criteria: CeGaT Center For Human Genetics Tuebingen Variant Classification Criteria Version 2. Collection method: clinical testing. Allele origin: germline. Affected: yes. Observed: 143 variant alleles.
Comment: KIF1B: BP4, BP7, BS2

Labcorp Genetics (formerly Invitae), Labcorp
Classification: Benign for Charcot-Marie-Tooth disease type 2. Last evaluated: 2026-02-03. Review status: criteria provided, single submitter. Criteria: Invitae Variant Classification Sherloc (09022015). Collection method: clinical testing. Allele origin: germline.

ARUP Laboratories, Molecular Genetics and Genomics, ARUP Laboratories
Classification: Benign. Last evaluated: 2023-11-21. Review status: criteria provided, single submitter. Criteria: ARUP Molecular Germline Variant Investigation Process 2024. Collection method: clinical testing. Allele origin: germline.

Ambry Genetics
Classification: Likely benign. Last evaluated: 2020-08-05. Review status: criteria provided, single submitter. Criteria: Ambry Variant Classification Scheme 2023. Collection method: clinical testing. Allele origin: germline.

Illumina Laboratory Services, Illumina
Classification: Benign for Neuroblastoma. Last evaluated: 2018-01-12. Review status: criteria provided, single submitter. Criteria: ICSL Variant Classification Criteria 13 December 2019. Collection method: clinical testing. Allele origin: germline.
Comment: This variant was observed in the ICSL laboratory as part of a predisposition screen in an ostensibly healthy population. It had not been previously curated by ICSL or reported in the Human Gene Mutation Database (HGMD: prior to June 1st, 2018), and was therefore a candidate for classification through an automated scoring system. Utilizing variant allele frequency, disease prevalence and penetrance estimates, and inheritance mode, an automated score was calculated to assess if this variant is too frequent to cause the disease. Based on the score and internal cut-off values, a variant classified as benign is not then subjected to further curation. The score for this variant resulted in a classification of benign for this disease.

Eurofins Ntd Llc (ga)
Classification: Benign. Last evaluated: 2016-10-04. Review status: criteria provided, single submitter. Criteria: EGL Classification Definitions 2015. Collection method: clinical testing. Allele origin: germline. Observed: 1 variant allele, 1 heterozygote.

Breakthrough Genomics
Classification: Likely benign. Review status: criteria provided, single submitter. Criteria: ACMG Guidelines, 2015. Collection method: not provided. Allele origin: germline. Inheritance: Autosomal dominant inheritance. Affected: yes.

Molecular Genetics Laboratory, London Health Sciences Centre
Classification: Benign for Charcot-Marie-Tooth disease. Review status: criteria provided, single submitter. Criteria: ACMG Guidelines, 2015. Collection method: clinical testing. Allele origin: germline. Affected: yes.

Clinical Genetics, Academic Medical Center
Classification: Benign. Review status: no assertion criteria provided. Collection method: clinical testing. Allele origin: germline. Affected: yes. Study: VKGL Data-share Consensus. Not counted in ClinVar's aggregate classification.

Genome Diagnostics Laboratory, University Medical Center Utrecht
Classification: Likely benign. Review status: no assertion criteria provided. Collection method: clinical testing. Allele origin: germline. Affected: yes. Study: VKGL Data-share Consensus. Not counted in ClinVar's aggregate classification.